The following is an entry in ClinVar:

ClinVar aggregate classification (germline): Uncertain significance (1 of 4 stars; one submission).

Conditions:
Neuromuscular disease caused by qualitative or quantitative defects of dysferlin. Also called: Qualitative or quantitative defects of dysferlin; Dysferlinopathy. Identifiers: Orphanet 207073, MedGen C2931687, MONDO:0016145.

gnomAD v4.1: 1 of 1,614,246 alleles (0.000062%); highest among the groups gnomAD compares: Non-Finnish European, 0.000085%; no homozygotes.

Submission:

Labcorp Genetics (formerly Invitae), Labcorp
Classification: Uncertain significance for Neuromuscular disease caused by qualitative or quantitative defects of dysferlin. Last evaluated: 2022-08-10. Review status: criteria provided, single submitter. Criteria: Invitae Variant Classification Sherloc (09022015). Collection method: clinical testing. Allele origin: germline.
Comment: This sequence change replaces arginine, which is basic and polar, with glycine, which is neutral and non-polar, at codon 370 of the DYSF protein (p.Arg370Gly). This variant is present in population databases (no rsID available, gnomAD 0.0009%). This variant has not been reported in the literature in individuals affected with DYSF-related conditions. Advanced modeling of protein sequence and biophysical properties (such as structural, functional, and spatial information, amino acid conservation, physicochemical variation, residue mobility, and thermodynamic stability) performed at Invitae indicates that this missense variant is not expected to disrupt DYSF protein function. In summary, the available evidence is currently insufficient to determine the role of this variant in disease. Therefore, it has been classified as a Variant of Uncertain Significance.

NM_001130987.2(DYSF):c.1204C>G (p.Arg402Gly)

Gene: DYSF (dysferlin; plus strand). Cytogenetic location: 2p13.2.
Variant type: single nucleotide variant.
Coding change: c.1204C>G on transcript NM_001130987.2 (MANE Select); coding-DNA position 1204, C replaced by G.
Protein change: p.Arg402Gly; replaces arginine 402 with glycine.
Molecular consequence: missense variant.
Genome position (GRCh38, 1-based): chr2:71,526,274, C>G. VCF-style: chr2-71526274-C-G. GRCh37 (hg19) VCF-style: chr2-71753404-C-G.
Other names: c.1111C>G, p.Arg371Gly (NM_001130455.2, NM_001130983.2, NM_001130984.2 and 1 more transcripts); c.1108C>G, p.Arg370Gly (NM_001130976.2, NM_001130977.2, NM_001130978.2 and 1 more transcripts); c.1201C>G, p.Arg401Gly (NM_001130979.2, NM_001130980.2, NM_001130981.2); c.1204C>G, p.Arg402Gly (NM_001130982.2, NM_001130985.2); short protein forms R371G, R370G, R401G, R402G.
Identifiers: ClinVar variation 1938276 (VCV001938276.2), dbSNP rs370775850, ClinGen allele CA347213251.